The following is an entry in ClinVar:

ClinVar aggregate classification (germline): Uncertain significance (1 of 4 stars; one submission).

Conditions:
GNPTAB-mucolipidosis. Also called: UDP-N-acetylglucosamine-1-phosphotransferase subunit alpha/beta deficiency. Identifiers: MedGen CN322573, MONDO:0100122.

gnomAD v4.1: 2 of 1,609,244 alleles (0.00012%); highest among the groups gnomAD compares: East Asian, 0.0022%; no homozygotes.

Submission:

Myriad Genetics, Inc.
Classification: Uncertain significance for GNPTAB-mucolipidosis. Last evaluated: 2026-06-25. Review status: criteria provided, single submitter. Criteria: Myriad Autosomal Dominant, Autosomal Recessive and X-Linked Classification Criteria (2023). Collection method: clinical testing. Allele origin: unknown.
Comment: NM_024312.4(GNPTAB):c.934-2A>G is a variant in a canonical splice site classified as a variant of uncertain significance in the context of GNPTAB-related disorders. c.934-2A>G has not been observed in cases with relevant disease. Relevant functional assessments of this variant are not available in the literature. c.934-2A>G has not been observed in referenced population frequency databases. In summary, there is insufficient evidence to classify NM_024312.4(GNPTAB):c.934-2A>G as pathogenic or benign. Please note: this variant was assessed in the context of healthy population screening.

NM_024312.5(GNPTAB):c.934-2A>G

Gene: GNPTAB (N-acetylglucosamine-1-phosphate transferase subunits alpha and beta; minus strand). Cytogenetic location: 12q23.2.
Variant type: single nucleotide variant.
Coding change: c.934-2A>G on transcript NM_024312.5 (MANE Select); the canonical splice acceptor site of the intron before coding-DNA position 934, A replaced by G.
Molecular consequence: splice acceptor variant.
Genome position (GRCh38, 1-based): chr12:101,770,587, T>C on the plus strand (A>G on the coding strand, the complement: GNPTAB is on the minus strand). VCF-style: chr12-101770587-T-C. GRCh37 (hg19) VCF-style: chr12-102164365-T-C.
Identifiers: ClinVar variation 5004006 (VCV005004006.1).